The following is an entry in ClinVar:

ClinVar aggregate classification (germline): Uncertain significance (1 of 4 stars; one submission).

Submission:

Women's Health and Genetics/Laboratory Corporation of America, LabCorp
Classification: Uncertain significance. Last evaluated: 2023-11-14. Review status: criteria provided, single submitter. Criteria: LabCorp Variant Classification Summary - May 2015. Collection method: clinical testing. Allele origin: germline.
Comment: Variant summary: The variant involves the duplication of exons 3-11 in the SEPTIN9 gene. A presumed nomenclature of c.(667+1_668-1)_(*1936_?)dup has been designated for the purposes of this classification. The exact breakpoint at the 3' end of this variant is unknown, therefore this duplication may extend downstream of the annotated region of the gene. As it duplicates the termination codon, its effect on the encoded protein is unknown. The variant allele was absent in 21694 control chromosomes in the gnomAD database, structural variants dataset. The available data on variant occurrences in the general population are insufficient to allow any conclusion about variant significance. To our knowledge, no occurrence of c.(667+1_668-1)_(*1936_?)dup in individuals affected with Amyotrophic Neuralgia and no experimental evidence demonstrating its impact on protein function have been reported. One submitter has cited clinical-significance assessments for this variant to ClinVar after 2014 and has classified the variant as uncertain significance. Based on the evidence outlined above, the variant was classified as uncertain significance.

NC_000017.10:g.(75398786_75478225)_(75496676_?)dup

Gene: SEPTIN9 (septin 9; plus strand). Cytogenetic location: 17q25.3.
Variant type: Duplication.
Identifiers: ClinVar variation 2682513 (VCV002682513.1).